The following is an entry in ClinVar:

ClinVar aggregate classification (germline): Uncertain significance (1 of 4 stars; one submission).

gnomAD v4.1: 1 of 1,606,200 alleles (0.000062%); highest among the groups gnomAD compares: Admixed American, 0.0017%; no homozygotes.

Submission:

Labcorp Genetics (formerly Invitae), Labcorp
Classification: Uncertain significance. Last evaluated: 2022-09-06. Review status: criteria provided, single submitter. Criteria: Invitae Variant Classification Sherloc (09022015). Collection method: clinical testing. Allele origin: germline.
Comment: This sequence change replaces phenylalanine, which is neutral and non-polar, with leucine, which is neutral and non-polar, at codon 409 of the SLC12A6 protein (p.Phe409Leu). This variant is present in population databases (no rsID available, gnomAD 0.003%). This variant has not been reported in the literature in individuals affected with SLC12A6-related conditions. Algorithms developed to predict the effect of missense changes on protein structure and function are either unavailable or do not agree on the potential impact of this missense change (SIFT: "Deleterious"; PolyPhen-2: "Probably Damaging"; Align-GVGD: "Class C0"). In summary, the available evidence is currently insufficient to determine the role of this variant in disease. Therefore, it has been classified as a Variant of Uncertain Significance.

NM_001365088.1(SLC12A6):c.1227C>A (p.Phe409Leu)

Gene: SLC12A6 (solute carrier family 12 member 6; minus strand). Cytogenetic location: 15q14.
Variant type: single nucleotide variant.
Coding change: c.1227C>A on transcript NM_001365088.1 (MANE Select); coding-DNA position 1227, C replaced by A.
Protein change: p.Phe409Leu; replaces phenylalanine 409 with leucine.
Molecular consequence: missense variant.
Genome position (GRCh38, 1-based): chr15:34,252,276, G>T on the plus strand (C>A on the coding strand, the complement: SLC12A6 is on the minus strand). VCF-style: chr15-34252276-G-T. GRCh37 (hg19) VCF-style: chr15-34544477-G-T.
Other names: c.1050C>A, p.Phe350Leu (NM_001042494.2, NM_001042495.2); c.1200C>A, p.Phe400Leu (NM_001042496.2); c.1182C>A, p.Phe394Leu (NM_001042497.2); c.1074C>A, p.Phe358Leu (NM_005135.2); c.1227C>A, p.Phe409Leu (NM_133647.2); short protein forms F358L, F400L, F350L, F394L, F409L.
Identifiers: ClinVar variation 1945555 (VCV001945555.5), dbSNP rs1406437834, ClinGen allele CA391607413.